The following is an entry in ClinVar:

ClinVar aggregate classification (germline): Uncertain significance (1 of 4 stars; one submission).

Conditions:
Inborn genetic diseases. Identifiers: MedGen C0950123, MeSH D030342.

Submission:

Ambry Genetics
Classification: Uncertain significance for Inborn genetic diseases. Last evaluated: 2025-06-08. Review status: criteria provided, single submitter. Criteria: Ambry Variant Classification Scheme 2023. Collection method: clinical testing. Allele origin: germline.
Comment: The p.T1317K variant (also known as c.3950C>A), located in coding exon 1 of the SAMD9 gene, results from a C to A substitution at nucleotide position 3950. The threonine at codon 1317 is replaced by lysine, an amino acid with similar properties. This amino acid position is conserved. In addition, this alteration is predicted to be tolerated by in silico analysis. Based on the available evidence, the clinical significance of this variant remains unclear.

NM_017654.4(SAMD9):c.3950C>A (p.Thr1317Lys)

Gene: SAMD9 (sterile alpha motif domain containing 9; minus strand). Cytogenetic location: 7q21.2.
Variant type: single nucleotide variant.
Coding change: c.3950C>A on transcript NM_017654.4 (MANE Select); coding-DNA position 3950, C replaced by A.
Protein change: p.Thr1317Lys; replaces threonine 1317 with lysine.
Molecular consequence: missense variant.
Genome position (GRCh38, 1-based): chr7:93,102,148, G>T on the plus strand (C>A on the coding strand, the complement: SAMD9 is on the minus strand). VCF-style: chr7-93102148-G-T. GRCh37 (hg19) VCF-style: chr7-92731461-G-T.
Other names: c.3950C>A, p.Thr1317Lys (NM_001193307.2); short protein forms T1317K.
Identifiers: ClinVar variation 3949711 (VCV003949711.1).